The following is an entry in ClinVar:

ClinVar aggregate classification (germline): Uncertain significance. Review status: criteria provided, multiple submitters, no conflicts (2 of 4 stars). 2 submissions from 2 submitters: Uncertain significance (2). Last evaluated 2025-11-15.

Conditions:
Cardiovascular phenotype. Identifiers: MedGen CN230736.

Allele frequency attached by ClinVar (database versions not stated): gnomAD exomes below 0.00001; TOPMed below 0.00001.
gnomAD v4.1: 1 of 1,609,254 alleles (0.000062%); highest among the groups gnomAD compares: Non-Finnish European, 0.000085%; no homozygotes.

Submissions (2):

Ambry Genetics
Classification: Uncertain significance for Cardiovascular phenotype. Last evaluated: 2025-11-15. Review status: criteria provided, single submitter. Criteria: Ambry Variant Classification Scheme 2023. Collection method: clinical testing. Allele origin: germline.
Comment: The p.I364T variant (also known as c.1091T>C), located in coding exon 5 of the LOX gene, results from a T to C substitution at nucleotide position 1091. The isoleucine at codon 364 is replaced by threonine, an amino acid with similar properties. This amino acid position is conserved. In addition, this alteration is predicted to be deleterious by in silico analysis. Based on the available evidence, the clinical significance of this variant remains unclear.

Labcorp Genetics (formerly Invitae), Labcorp
Classification: Uncertain significance. Last evaluated: 2023-08-23. Review status: criteria provided, single submitter. Criteria: Invitae Variant Classification Sherloc (09022015). Collection method: clinical testing. Allele origin: germline.
Comment: In summary, the available evidence is currently insufficient to determine the role of this variant in disease. Therefore, it has been classified as a Variant of Uncertain Significance. Advanced modeling of protein sequence and biophysical properties (such as structural, functional, and spatial information, amino acid conservation, physicochemical variation, residue mobility, and thermodynamic stability) performed at Invitae indicates that this missense variant is expected to disrupt LOX protein function. This variant has not been reported in the literature in individuals affected with LOX-related conditions. This variant is not present in population databases (gnomAD no frequency). This sequence change replaces isoleucine, which is neutral and non-polar, with threonine, which is neutral and polar, at codon 364 of the LOX protein (p.Ile364Thr).

NM_002317.7(LOX):c.1091T>C (p.Ile364Thr)

Genes: LOX (lysyl oxidase; minus strand), SRFBP1 (serum response factor binding protein 1; plus strand). Cytogenetic location: 5q23.1.
Variant type: single nucleotide variant.
Coding change: c.1091T>C on transcript NM_002317.7 (MANE Select); coding-DNA position 1091, T replaced by C.
Protein change: p.Ile364Thr; replaces isoleucine 364 with threonine.
Molecular consequence: missense variant.
Genome position (GRCh38, 1-based): chr5:122,070,534, A>G on the plus strand (T>C on the coding strand, the complement: LOX is on the minus strand). VCF-style: chr5-122070534-A-G. GRCh37 (hg19) VCF-style: chr5-121406229-A-G.
Other names: c.1091T>C (NM_002317.5); c.401T>C, p.Ile134Thr (NM_001178102.2); c.200T>C, p.Ile67Thr (NM_001317073.1); short protein forms I364T, I67T, I134T.
Identifiers: ClinVar variation 2754652 (VCV002754652.4), dbSNP rs1754419222, ClinGen allele CA360880472.